The following is an entry in ClinVar:

ClinVar aggregate classification (germline): Uncertain significance (1 of 4 stars; one submission).

Conditions:
Emery-Dreifuss muscular dystrophy 5, autosomal dominant (EDMD5). Also called: EMERY-DREIFUSS MUSCULAR DYSTROPHY 5. Identifiers: Orphanet 261, MedGen C2751805, MONDO:0013072, OMIM 612999.

Submission:

Labcorp Genetics (formerly Invitae), Labcorp
Classification: Uncertain significance for Emery-Dreifuss muscular dystrophy 5, autosomal dominant. Last evaluated: 2022-12-02. Review status: criteria provided, single submitter. Criteria: Invitae Variant Classification Sherloc (09022015). Collection method: clinical testing. Allele origin: germline.
Comment: This sequence change replaces aspartic acid, which is acidic and polar, with glutamic acid, which is acidic and polar, at codon 2671 of the SYNE2 protein (p.Asp2671Glu). This variant is not present in population databases (gnomAD no frequency). This variant has not been reported in the literature in individuals affected with SYNE2-related conditions. In summary, the available evidence is currently insufficient to determine the role of this variant in disease. Therefore, it has been classified as a Variant of Uncertain Significance. Algorithms developed to predict the effect of missense changes on protein structure and function output the following: SIFT: "Tolerated"; PolyPhen-2: "Benign"; Align-GVGD: "Class C0". The glutamic acid amino acid residue is found in multiple mammalian species, which suggests that this missense change does not adversely affect protein function. ClinVar contains an entry for this variant (Variation ID: 835413).

NM_182914.3(SYNE2):c.8013C>G (p.Asp2671Glu)

Gene: SYNE2 (spectrin repeat containing nuclear envelope protein 2; plus strand). Cytogenetic location: 14q23.2.
Variant type: single nucleotide variant.
Coding change: c.8013C>G on transcript NM_182914.3 (MANE Select); coding-DNA position 8013, C replaced by G.
Protein change: p.Asp2671Glu; replaces aspartic acid 2671 with glutamic acid.
Molecular consequence: missense variant.
Genome position (GRCh38, 1-based): chr14:64,051,926, C>G. VCF-style: chr14-64051926-C-G. GRCh37 (hg19) VCF-style: chr14-64518644-C-G.
Other names: c.8013C>G, p.Asp2671Glu (NM_015180.6); short protein forms D2671E.
Identifiers: ClinVar variation 835413 (VCV000835413.9), dbSNP rs1324986561, ClinGen allele CA389963735.